The following is an entry in ClinVar:

NM_153717.3(EVC):c.1458T>G (p.Phe486Leu)

Gene: EVC (EvC ciliary complex subunit 1; plus strand). Cytogenetic location: 4p16.2.
Variant type: single nucleotide variant.
Coding change: c.1458T>G on transcript NM_153717.3 (MANE Select); coding-DNA position 1458, T replaced by G.
Protein change: p.Phe486Leu; replaces phenylalanine 486 with leucine.
Molecular consequence: missense variant.
Genome position (GRCh38, 1-based): chr4:5,753,927, T>G. VCF-style: chr4-5753927-T-G. GRCh37 (hg19) VCF-style: chr4-5755654-T-G.
Other names: c.1458T>G, p.Phe486Leu (NM_001306090.2, NM_001306092.2); short protein forms F486L.
Identifiers: ClinVar variation 3343680 (VCV003343680.1).

ClinVar aggregate classification (germline): Uncertain significance (1 of 4 stars; one submission).

Submission:

GeneDx
Classification: Uncertain significance. Last evaluated: 2023-05-26. Review status: criteria provided, single submitter. Criteria: GeneDx Variant Classification Process June 2021. Collection method: clinical testing. Allele origin: germline. Affected: yes.
Comment: Not observed at significant frequency in large population cohorts (gnomAD); In silico analysis supports that this missense variant has a deleterious effect on protein structure/function; Has not been previously published as pathogenic or benign to our knowledge.